The following is an entry in ClinVar:

NM_138927.4(SON):c.4069A>G (p.Met1357Val)

Gene: SON (SON DNA and RNA binding protein; plus strand). Cytogenetic location: 21q22.11.
Variant type: single nucleotide variant.
Coding change: c.4069A>G on transcript NM_138927.4 (MANE Select); coding-DNA position 4069, A replaced by G.
Protein change: p.Met1357Val; replaces methionine 1357 with valine.
Molecular consequence: missense variant. On other transcripts: non-coding transcript variant (1), intron variant (1).
Genome position (GRCh38, 1-based): chr21:33,553,300, A>G. VCF-style: chr21-33553300-A-G. GRCh37 (hg19) VCF-style: chr21-34925606-A-G.
Other names: c.4069A>G, p.Met1357Val (NM_001291411.2, NM_001412133.1, NM_032195.3 and 2 more transcripts); c.245-3856A>G (NM_001291412.3); short protein forms M1357V.
Identifiers: ClinVar variation 2056503 (VCV002056503.4), dbSNP rs1157683495, ClinGen allele CA410161898.
Genomic context (GRCh38, chr21:33,553,300, plus strand): 5'-CCAGTGCTGGCAGAGAGCATTCTGGAGCCGCCAGCCATGGCTGCCCCAGAGTCTTCAGCT[A>G]TGGCTGTCCTGGAGTCTTCGGCTGTGACCGTCCTGGAGTCTTCGACTGTGACTGTCCTGG-3'
Protein context (NP_620305.3, residues 1347-1367): PAMAAPESSA[Met1357Val]AVLESSAVTV

ClinVar aggregate classification (germline): Uncertain significance (1 of 4 stars; one submission).

Allele frequency attached by ClinVar (database versions not stated): gnomAD exomes below 0.00001.

Submission:

Labcorp Genetics (formerly Invitae), Labcorp
Classification: Uncertain significance. Last evaluated: 2022-07-18. Review status: criteria provided, single submitter. Criteria: Invitae Variant Classification Sherloc (09022015). Collection method: clinical testing. Allele origin: germline.
Comment: This sequence change replaces methionine, which is neutral and non-polar, with valine, which is neutral and non-polar, at codon 1357 of the SON protein (p.Met1357Val). This variant is present in population databases (no rsID available, gnomAD 0.003%). This variant has not been reported in the literature in individuals affected with SON-related conditions. Algorithms developed to predict the effect of missense changes on protein structure and function output the following: SIFT: "Tolerated"; PolyPhen-2: "Benign"; Align-GVGD: "Class C0". The valine amino acid residue is found in multiple mammalian species, which suggests that this missense change does not adversely affect protein function. In summary, the available evidence is currently insufficient to determine the role of this variant in disease. Therefore, it has been classified as a Variant of Uncertain Significance.